The following is an entry in ClinVar:

ClinVar aggregate classification (germline): Pathogenic (1 of 4 stars; one submission).

Conditions:
Cardiovascular phenotype. Identifiers: MedGen CN230736.

Submission:

Ambry Genetics
Classification: Pathogenic for Cardiovascular phenotype. Last evaluated: 2023-02-06. Review status: criteria provided, single submitter. Criteria: Ambry Variant Classification Scheme 2023. Collection method: clinical testing. Allele origin: germline.
Comment: The c.911_914delATTT pathogenic mutation, located in coding exon 7 of the LAMP2 gene, results from a deletion of 4 nucleotides at nucleotide positions 911 to 914, causing a translational frameshift with a predicted alternate stop codon (p.Y304Wfs*41). This variant is considered to be rare based on population cohorts in the Genome Aggregation Database (gnomAD). This alteration is expected to result in loss of function by premature protein truncation or nonsense-mediated mRNA decay. As such, this alteration is interpreted as a disease-causing mutation.

NM_002294.3(LAMP2):c.911_914del (p.Tyr304fs)

Gene: LAMP2 (lysosomal associated membrane protein 2; minus strand). Cytogenetic location: Xq24.
Variant type: Deletion.
Coding change: c.911_914del on transcript NM_002294.3 (MANE Select); coding-DNA positions 911 to 914, 4 bases deleted (ATTT; older notation c.911_914delATTT).
Protein change: p.Tyr304fs; shifts the reading frame from tyrosine 304.
Molecular consequence: frameshift variant.
Genome position (GRCh38, 1-based): chrX:120,442,613-120,442,616, AAAT deleted on the plus strand (ATTT on the coding strand, the reverse complement: LAMP2 is on the minus strand); deleting any 4 consecutive bases within chrX:120,442,613-120,442,617 gives the same sequence; the c. name uses the placement nearest the transcript's 3' end. VCF-style (leftmost placement, unchanged base first): chrX-120442612-CAAAT-C. GRCh37 (hg19) VCF-style: chrX-119576467-CAAAT-C.
Other names: c.911_914del, p.Tyr304fs (NM_001122606.1, NM_013995.2); c.911_914delATTT (NM_002294.2); short protein forms Y304fs.
Identifiers: ClinVar variation 2450357 (VCV002450357.2), dbSNP rs2520864428, ClinGen allele CA2580100275.